The following is an entry in ClinVar:

NM_001267550.2(TTN):c.103455A>T (p.Glu34485Asp)

Genes: TTN-AS1 (TTN antisense RNA 1; plus strand), TTN (titin; minus strand). Cytogenetic location: 2q31.2.
Variant type: single nucleotide variant.
Coding change: c.103455A>T on transcript NM_001267550.2 (MANE Select); coding-DNA position 103455, A replaced by T.
Protein change: p.Glu34485Asp; replaces glutamic acid 34485 with aspartic acid.
Molecular consequence: missense variant.
Genome position (GRCh38, 1-based): chr2:178,533,160, T>A on the plus strand (A>T on the coding strand, the complement: TTN is on the minus strand). VCF-style: chr2-178533160-T-A. GRCh37 (hg19) VCF-style: chr2-179397887-T-A.
Other names: c.98532A>T, p.Glu32844Asp (NM_001256850.1); c.76260A>T, p.Glu25420Asp (NM_003319.4); c.95751A>T, p.Glu31917Asp (NM_133378.4); c.76635A>T, p.Glu25545Asp (NM_133432.3); c.76836A>T, p.Glu25612Asp (NM_133437.4); short protein forms E25545D, E25612D, E31917D, E25420D, E32844D, E34485D.
Identifiers: ClinVar variation 834627 (VCV000834627.9), dbSNP rs746863482, ClinGen allele CA1985600.

ClinVar aggregate classification (germline): Conflicting classifications of pathogenicity. Review status: criteria provided, conflicting classifications (1 of 4 stars). 2 submissions from 2 submitters: Uncertain significance (1); Likely benign (1). Last evaluated 2023-07-19.

Conditions:
Cardiomyopathy (CMYO). Also called: Cardiomyopathies. Identifiers: Orphanet 167848, MedGen C0878544, MONDO:0004994, HP:0001638. Inheritance: Various modes of inheritance.
Dilated cardiomyopathy 1G (CMD1G). Identifiers: Orphanet 154, MedGen C1858763, MONDO:0011400, OMIM 604145.
Autosomal recessive limb-girdle muscular dystrophy type 2J (LGMDR10). Also called: Limb-girdle muscular dystrophy, type 2J; MUSCULAR DYSTROPHY, LIMB-GIRDLE, AUTOSOMAL RECESSIVE 10. Identifiers: Orphanet 140922, MedGen C1837342, MONDO:0012127, OMIM 608807.

Allele frequency attached by ClinVar (database versions not stated): gnomAD below 0.00001 and 0.00002; gnomAD exomes 0.00003 and 0.00005; ExAC 0.00006.
gnomAD v4.1: 42 of 1,613,882 alleles (0.0026%); highest among the groups gnomAD compares: South Asian, 0.046%; no homozygotes.

Submissions (2):

Labcorp Genetics (formerly Invitae), Labcorp
Classification: Uncertain significance for Dilated cardiomyopathy 1G; Autosomal recessive limb-girdle muscular dystrophy type 2J. Last evaluated: 2023-07-19. Review status: criteria provided, single submitter. Criteria: Invitae Variant Classification Sherloc (09022015). Collection method: clinical testing. Allele origin: germline.
Comment: In summary, the available evidence is currently insufficient to determine the role of this variant in disease. Therefore, it has been classified as a Variant of Uncertain Significance. This variant is located in the M band of TTN (PMID: 25589632). Variants in this region may be relevant for neuromuscular disorders, but have not been definitively shown to cause cardiomyopathy (PMID: 23975875). Experimental studies and prediction algorithms are not available or were not evaluated, and the functional significance of this variant is currently unknown. ClinVar contains an entry for this variant (Variation ID: 834627). This variant has not been reported in the literature in individuals affected with TTN-related conditions. This variant is present in population databases (rs746863482, gnomAD 0.04%). This sequence change replaces glutamic acid, which is acidic and polar, with aspartic acid, which is acidic and polar, at codon 34485 of the TTN protein (p.Glu34485Asp).

CHEO Genetics Diagnostic Laboratory, Children's Hospital of Eastern Ontario
Classification: Likely benign for Cardiomyopathy. Last evaluated: 2020-08-25. Review status: criteria provided, single submitter. Criteria: ACMG Guidelines, 2015. Collection method: clinical testing. Allele origin: germline.

Literature cited by the submitters: PubMed 25589632 (cited by Labcorp Genetics (formerly Invitae), Labcorp); PubMed 23975875 (cited by Labcorp Genetics (formerly Invitae), Labcorp).